The following is an entry in ClinVar:

NM_020975.6(RET):c.2694_2705del (p.Asp898_Glu901del)

Gene: RET (ret proto-oncogene; plus strand). Cytogenetic location: 10q11.21.
Variant type: Deletion.
Coding change: c.2694_2705del on transcript NM_020975.6 (MANE Select); coding-DNA positions 2694 to 2705, 12 bases deleted (TGTTTATGAAGA).
Protein change: p.Asp898_Glu901del.
Molecular consequence: inframe deletion. On other transcripts: inframe indel (42).
Genome position (GRCh38, 1-based): chr10:43,120,167-43,120,178, TGTTTATGAAGA deleted; deleting any 12 consecutive bases within chr10:43,120,164-43,120,178 gives the same sequence; the c. name uses the placement nearest the transcript's 3' end. VCF-style (leftmost placement, unchanged base first): chr10-43120163-GAGATGTTTATGA-G. GRCh37 (hg19) VCF-style: chr10-43615611-GAGATGTTTATGA-G.
Other names: c.2694_2705del12 (NM_020975.4); c.2694_2705delTGTTTATGAAGA, p.Asp898_Glu901del (NM_000323.2, NM_001406743.1, NM_001406744.1 and 4 more transcripts); c.1932_1943delTGTTTATGAAGA, p.Asp644_Glu647del (NM_001355216.2); c.2565_2576delTGTTTATGAAGA, p.Asp855_Glu858del (NM_001406761.1, NM_001406762.1, NM_001406764.1); c.2559_2570delTGTTTATGAAGA, p.Asp853_Glu856del (NM_001406763.1, NM_001406765.1); c.2406_2417delTGTTTATGAAGA, p.Asp802_Glu805del (NM_001406766.1, NM_001406767.1, NM_001406770.1); c.2430_2441delTGTTTATGAAGA, p.Asp810_Glu813del (NM_001406768.1); c.2298_2309delTGTTTATGAAGA, p.Asp766_Glu769del (NM_001406769.1, NM_001406772.1); and 11 more.
Identifiers: ClinVar variation 376314 (VCV000376314.5), dbSNP rs121913309, ClinGen allele CA16602760.

ClinVar aggregate classification (germline): Uncertain significance (1 of 4 stars; one submission).

Conditions:
Hereditary cancer-predisposing syndrome. Also called: Hereditary neoplastic syndrome; Hereditary Cancer Syndrome; Neoplastic Syndromes, Hereditary; Tumor predisposition. Identifiers: Orphanet 140162, MedGen C0027672, MeSH D009386, MONDO:0015356.

Submission:

Ambry Genetics
Classification: Uncertain significance for Hereditary cancer-predisposing syndrome. Last evaluated: 2018-04-19. Review status: criteria provided, single submitter. Criteria: Ambry Variant Classification Scheme 2023. Collection method: clinical testing. Allele origin: germline.
Comment: The c.2694_2705del12 variant (also known as p.D898_E901del) is located in coding exon 15 of the RET gene. This variant results from an in-frame deletion of 12 nucleotides at positions 2694 to 2705. This results in the deletion of 4 amino acids between codons 898 and 901. This amino acid region is highly conserved in available vertebrate species. Since supporting evidence is limited at this time, the clinical significance of this alteration remains unclear.